The following is an entry in ClinVar:

NM_005751.5(AKAP9):c.920T>C (p.Val307Ala)

Gene: AKAP9 (A-kinase anchoring protein 9; plus strand). Cytogenetic location: 7q21.2.
Variant type: single nucleotide variant.
Coding change: c.920T>C on transcript NM_005751.5 (MANE Select); coding-DNA position 920, T replaced by C.
Protein change: p.Val307Ala; replaces valine 307 with alanine.
Molecular consequence: missense variant.
Genome position (GRCh38, 1-based): chr7:91,995,790, T>C. VCF-style: chr7-91995790-T-C. GRCh37 (hg19) VCF-style: chr7-91625104-T-C.
Other names: c.920T>C, p.Val307Ala (NM_147185.3); short protein forms V307A.
Identifiers: ClinVar variation 1061775 (VCV001061775.9), dbSNP rs2130646748, ClinGen allele CA368120540.

ClinVar aggregate classification (germline): Uncertain significance (1 of 4 stars; one submission).

Conditions:
Long QT syndrome (LQTS). Identifiers: MedGen C0023976, MeSH D008133, MONDO:0002442. Disease mechanism: loss of function. Inheritance: Various modes of inheritance.

Submission:

Labcorp Genetics (formerly Invitae), Labcorp
Classification: Uncertain significance for Long QT syndrome. Last evaluated: 2020-10-08. Review status: criteria provided, single submitter. Criteria: Invitae Variant Classification Sherloc (09022015). Collection method: clinical testing. Allele origin: germline.
Comment: In summary, the available evidence is currently insufficient to determine the role of this variant in disease. Therefore, it has been classified as a Variant of Uncertain Significance. Algorithms developed to predict the effect of missense changes on protein structure and function output the following: SIFT: "Tolerated"; PolyPhen-2: "Benign"; Align-GVGD: "Class C0". The alanine amino acid residue is found in multiple mammalian species, suggesting that this missense change does not adversely affect protein function. These predictions have not been confirmed by published functional studies and their clinical significance is uncertain. This sequence change replaces valine with alanine at codon 307 of the AKAP9 protein (p.Val307Ala). The valine residue is weakly conserved and there is a small physicochemical difference between valine and alanine. This variant is not present in population databases (ExAC no frequency). This variant has not been reported in the literature in individuals with AKAP9-related conditions.